The following is an entry in ClinVar:

NM_001128205.2(SULF1):c.343C>G (p.Pro115Ala)

Gene: SULF1 (sulfatase 1; plus strand). Cytogenetic location: 8q13.2.
Variant type: single nucleotide variant.
Coding change: c.343C>G on transcript NM_001128205.2 (MANE Select); coding-DNA position 343, C replaced by G.
Protein change: p.Pro115Ala; replaces proline 115 with alanine.
Molecular consequence: missense variant. On other transcripts: non-coding transcript variant (2).
Genome position (GRCh38, 1-based): chr8:69,576,140, C>G. VCF-style: chr8-69576140-C-G. GRCh37 (hg19) VCF-style: chr8-70488375-C-G.
Other names: c.343C>G, p.Pro115Ala (NM_001128204.2, NM_001128206.2, NM_015170.3); c.343C>G (NM_001128205.1); short protein forms P115A.
Identifiers: ClinVar variation 1383251 (VCV001383251.7), dbSNP rs780510098, ClinGen allele CA4775544.

ClinVar aggregate classification (germline): Uncertain significance. Review status: criteria provided, multiple submitters, no conflicts (2 of 4 stars). 2 submissions from 2 submitters: Uncertain significance (2). Last evaluated 2025-10-15.

Allele frequency attached by ClinVar (database versions not stated): gnomAD 0.00001; TOPMed 0.00001; ExAC 0.00002; gnomAD exomes 0.00006.
gnomAD v4.1: 21 of 1,614,070 alleles (0.0013%); highest among the groups gnomAD compares: Admixed American, 0.033%; no homozygotes.

Submissions (2):

Labcorp Genetics (formerly Invitae), Labcorp
Classification: Uncertain significance. Last evaluated: 2025-10-15. Review status: criteria provided, single submitter. Criteria: Invitae Variant Classification Sherloc (09022015). Collection method: clinical testing. Allele origin: germline.
Comment: This sequence change replaces proline, which is neutral and non-polar, with alanine, which is neutral and non-polar, at codon 115 of the SULF1 protein (p.Pro115Ala). This variant is present in population databases (rs780510098, gnomAD 0.04%). This variant has not been reported in the literature in individuals affected with SULF1-related conditions. ClinVar contains an entry for this variant (Variation ID: 1383251). An algorithm developed to predict the effect of missense changes on protein structure and function (PolyPhen-2) suggests that this variant is likely to be tolerated. In summary, the available evidence is currently insufficient to determine the role of this variant in disease. Therefore, it has been classified as a Variant of Uncertain Significance.

Ambry Genetics
Classification: Uncertain significance. Last evaluated: 2024-03-15. Review status: criteria provided, single submitter. Criteria: Ambry Variant Classification Scheme 2023. Collection method: clinical testing. Allele origin: germline.